The following is an entry in ClinVar:

NM_032581.4(HYCC1):c.*2459C>A

Gene: HYCC1 (hyccin PI4KA lipid kinase complex subunit 1; minus strand). Cytogenetic location: 7p15.3.
Variant type: single nucleotide variant.
Coding change: c.*2459C>A on transcript NM_032581.4 (MANE Select); 2459 bases downstream of the stop codon, C replaced by A.
Molecular consequence: 3 prime UTR variant.
Genome position (GRCh38, 1-based): chr7:22,943,130, G>T on the plus strand (C>A on the coding strand, the complement: HYCC1 is on the minus strand). VCF-style: chr7-22943130-G-T. GRCh37 (hg19) VCF-style: chr7-22982749-G-T.
Other names: c.*3061C>A (NM_001363466.2); c.*3019C>A (NM_001363467.2).
Identifiers: ClinVar variation 359731 (VCV000359731.5), dbSNP rs79265521, ClinGen allele CA10628754.

ClinVar aggregate classification (germline): Benign (1 of 4 stars; one submission).

Conditions:
Hypomyelination and Congenital Cataract (HLD5). Also called: hypomyelinating leukodystrophy 5. Identifiers: Orphanet 85163, MedGen C1864663, MONDO:0012514, OMIM 610532.

Allele frequency attached by ClinVar (database versions not stated): 1000 Genomes Project 30x 0.03576; 1000 Genomes Project 0.03694; TOPMed 0.04299; gnomAD 0.04928 and 0.05021.

Submission:

Illumina Laboratory Services, Illumina
Classification: Benign for Hypomyelination and Congenital Cataract. Last evaluated: 2018-01-13. Review status: criteria provided, single submitter. Criteria: ICSL Variant Classification Criteria 13 December 2019. Collection method: clinical testing. Allele origin: germline.
Comment: This variant was observed in the ICSL laboratory as part of a predisposition screen in an ostensibly healthy population. It had not been previously curated by ICSL or reported in the Human Gene Mutation Database (HGMD: prior to June 1st, 2018), and was therefore a candidate for classification through an automated scoring system. Utilizing variant allele frequency, disease prevalence and penetrance estimates, and inheritance mode, an automated score was calculated to assess if this variant is too frequent to cause the disease. Based on the score and internal cut-off values, a variant classified as benign is not then subjected to further curation. The score for this variant resulted in a classification of benign for this disease.